The following is an entry in ClinVar:

ClinVar aggregate classification (germline): Likely pathogenic (1 of 4 stars; one submission).

Conditions:
RYR1-related disorder. Also called: RYR1-related condition; RYR1-related disorders. Identifiers: MedGen CN239331.

Submission:

Labcorp Genetics (formerly Invitae), Labcorp
Classification: Likely pathogenic for RYR1-related disorder. Last evaluated: 2023-04-10. Review status: criteria provided, single submitter. Criteria: Invitae Variant Classification Sherloc (09022015). Collection method: clinical testing. Allele origin: germline.
Comment: Algorithms developed to predict the effect of sequence changes on RNA splicing suggest that this variant may disrupt the consensus splice site. In summary, the currently available evidence indicates that the variant is pathogenic, but additional data are needed to prove that conclusively. Therefore, this variant has been classified as Likely Pathogenic. This sequence change affects a donor splice site in intron 72 of the RYR1 gene. It is expected to disrupt RNA splicing. Variants that disrupt the donor or acceptor splice site typically lead to a loss of protein function (PMID: 16199547), and loss-of-function variants in RYR1 are known to be pathogenic (PMID: 23919265, 25960145, 28818389, 30611313). This variant is not present in population databases (gnomAD no frequency). This variant has not been reported in the literature in individuals affected with RYR1-related conditions.

Literature cited by the submitters: PubMed 16199547; PubMed 23919265; PubMed 25960145; PubMed 28818389; PubMed 30611313.

NM_000540.3(RYR1):c.10686+2T>C

Gene: RYR1 (ryanodine receptor 1; plus strand). Cytogenetic location: 19q13.2.
Variant type: single nucleotide variant.
Coding change: c.10686+2T>C on transcript NM_000540.3 (MANE Select); the canonical splice donor site of the intron after coding-DNA position 10686, T replaced by C.
Molecular consequence: splice donor variant.
Genome position (GRCh38, 1-based): chr19:38,527,054, T>C. VCF-style: chr19-38527054-T-C. GRCh37 (hg19) VCF-style: chr19-39017694-T-C.
Other names: c.10671+2T>C (NM_001042723.2).
Identifiers: ClinVar variation 2854594 (VCV002854594.3), dbSNP rs2514485712, ClinGen allele CA405646201.